The following is an entry in ClinVar:

NM_000135.4(FANCA):c.1589T>G (p.Leu530Arg)

Gene: FANCA (FA complementation group A; minus strand). Cytogenetic location: 16q24.3.
Variant type: single nucleotide variant.
Coding change: c.1589T>G on transcript NM_000135.4 (MANE Select); coding-DNA position 1589, T replaced by G.
Protein change: p.Leu530Arg; replaces leucine 530 with arginine.
Molecular consequence: missense variant.
Genome position (GRCh38, 1-based): chr16:89,782,896, A>C on the plus strand (T>G on the coding strand, the complement: FANCA is on the minus strand). VCF-style: chr16-89782896-A-C. GRCh37 (hg19) VCF-style: chr16-89849304-A-C.
Other names: c.1589T>G, p.Leu530Arg (NM_001286167.3); short protein forms L530R.
Identifiers: ClinVar variation 4619317 (VCV004619317.1).

ClinVar aggregate classification (germline): Uncertain significance (1 of 4 stars; one submission).

Conditions:
Inborn genetic diseases. Identifiers: MedGen C0950123, MeSH D030342.

Submission:

Ambry Genetics
Classification: Uncertain significance for Inborn genetic diseases. Last evaluated: 2025-12-12. Review status: criteria provided, single submitter. Criteria: Ambry Variant Classification Scheme 2023. Collection method: clinical testing. Allele origin: germline.
Comment: The p.L530R variant (also known as c.1589T>G), located in coding exon 17 of the FANCA gene, results from a T to G substitution at nucleotide position 1589. The leucine at codon 530 is replaced by arginine, an amino acid with dissimilar properties. This amino acid position is conserved. In addition, this alteration is predicted to be deleterious by in silico analysis. Based on the available evidence, the clinical significance of this variant remains unclear.